The following is an entry in ClinVar:

NM_173477.5(USH1G):c.837C>G (p.Asp279Glu)

Gene: USH1G (USH1 protein network component sans; minus strand). Cytogenetic location: 17q25.1.
Variant type: single nucleotide variant.
Coding change: c.837C>G on transcript NM_173477.5 (MANE Select); coding-DNA position 837, C replaced by G.
Protein change: p.Asp279Glu; replaces aspartic acid 279 with glutamic acid.
Molecular consequence: missense variant.
Genome position (GRCh38, 1-based): chr17:74,919,999, G>C on the plus strand (C>G on the coding strand, the complement: USH1G is on the minus strand). VCF-style: chr17-74919999-G-C. GRCh37 (hg19) VCF-style: chr17-72916094-G-C.
Other names: c.528C>G, p.Asp176Glu (NM_001282489.3); short protein forms D279E, D176E.
Identifiers: ClinVar variation 178570 (VCV000178570.39), dbSNP rs142486910, ClinGen allele CA182580.

ClinVar aggregate classification (germline): Conflicting classifications of pathogenicity. Review status: criteria provided, conflicting classifications (1 of 4 stars). 14 submissions from 13 submitters: Uncertain significance (5); Likely benign (3). 6 of the submissions do not count toward it. Last evaluated 2026-01-29.

Conditions:
USH1G-related disorder. Also called: USH1G-related condition; USH1G-related disorders.
Retinal dystrophy. Also called: Inherited retinal dystrophy. Identifiers: Orphanet 71862, MedGen C0854723, MeSH D058499, MONDO:0019118, HP:0000556.
Usher syndrome type 1G. Also called: USHER SYNDROME, TYPE IG, MILD. Identifiers: Orphanet 231169, Orphanet 886, MedGen C1847089, MONDO:0011748, OMIM 606943.
Optic atrophy. Identifiers: MedGen C0029124, MONDO:0003608, HP:0000648.

Allele frequency attached by ClinVar (database versions not stated): 1000 Genomes Project 30x 0.00016; gnomAD exomes 0.00037 and 0.00063; gnomAD 0.00040 and 0.00042; TOPMed 0.00043; ExAC 0.00054; ESP Exome Variant Server 0.00054.

Submissions (14):

Labcorp Genetics (formerly Invitae), Labcorp
Classification: Likely benign. Last evaluated: 2026-01-29. Review status: criteria provided, single submitter. Criteria: Invitae Variant Classification Sherloc (09022015). Collection method: clinical testing. Allele origin: germline.

Mayo Clinic Laboratories, Mayo Clinic
Classification: Uncertain significance. Last evaluated: 2025-05-07. Review status: criteria provided, single submitter. Criteria: ACMG Guidelines, 2015. Collection method: clinical testing. Allele origin: germline. Observed: 1 variant allele.
Comment: BP4, PM2_supporting

Blueprint Genetics
Classification: Likely benign. Last evaluated: 2024-10-23. Review status: criteria provided, single submitter. Criteria: ACMG Guidelines, 2015. Collection method: clinical testing. Allele origin: germline.

Women's Health and Genetics/Laboratory Corporation of America, LabCorp
Classification: Uncertain significance. Last evaluated: 2022-02-18. Review status: criteria provided, single submitter. Criteria: LabCorp Variant Classification Summary - May 2015. Collection method: clinical testing. Allele origin: germline.

GeneDx
Classification: Likely benign. Last evaluated: 2020-10-13. Review status: criteria provided, single submitter. Criteria: GeneDx Variant Classification Process June 2021. Collection method: clinical testing. Allele origin: germline. Affected: yes.

ARUP Laboratories, Molecular Genetics and Genomics, ARUP Laboratories
Classification: Uncertain significance for Usher syndrome type 1G. Last evaluated: 2018-11-07. Review status: criteria provided, single submitter. Criteria: ARUP Molecular Germline Variant Investigation Process. Collection method: clinical testing. Allele origin: germline.
Comment: The p.Asp279Glu variant (rs142486910) has not been reported in the medical literature nor has it been previously identified in our laboratory; however, it is listed in the ClinVar database as a variant of uncertain significance (Variation ID: 178570). It is listed in the Genome Aggregation Database (gnomAD) browser with a frequency in Ashkenazi Jewish individuals of 0.56% (identified in 57 out of 10,112 chromosomes). The aspartic acid at codon 279 is not highly conserved (Alamut software v2.9), and several species including zebra finch and Xenopus tropical have a glutamic acid at this position suggesting this change is evolutionary tolerated. Furthermore, computational analyses suggest this variant does not have a significant effect on USH1G protein structure/function (SIFT: tolerated, PolyPhen2: benign, and Mutation Taster: polymorphism). However, based on the available information, the clinical significance of the p.Asp279Glu variant cannot be determined with certainty.

Eurofins Ntd Llc (ga)
Classification: Uncertain significance. Last evaluated: 2016-01-25. Review status: criteria provided, single submitter. Criteria: EGL Classification Definitions 2015. Collection method: clinical testing. Allele origin: germline. Observed: 1 variant allele, 1 heterozygote.

Laboratory for Molecular Medicine, Mass General Brigham Personalized Medicine
Classification: Uncertain significance. Last evaluated: 2015-09-08. Review status: criteria provided, single submitter. Criteria: LMM Criteria. Collection method: clinical testing. Allele origin: germline. Observed: 5 variant alleles.
Comment: Variant classified as Uncertain Significance - Favor Benign. The p.Asp279Glu var iant in USH1G has now been identified by our laboratory in 3 individuals with he aring loss; however, an alternate explanation of the hearing loss was identified in 1 family. This variant has also been identified in 0.1% (55/64670) of Europe an chromosomes by the Exome Aggregation Consortium (ExAC; dbSNP rs142486910). Although this variant has been seen in the general population, its frequency is not high enough to rule out a pathogenic role. Co mputational prediction tools and conservation analysis suggest that the p.Asp279 Glu variant may not impact the protein, though this information is not predictiv e enough to rule out pathogenicity. In summary, while the clinical significance of the p.Asp279Glu variant is uncertain, these data suggest that it is more like ly to be benign.

Institute of Human Genetics, Univ. Regensburg, Univ. Regensburg
Classification: Uncertain significance for Optic atrophy. Last evaluated: 2023-01-01. Review status: no assertion criteria provided. Criteria: ACMG Guidelines, 2015. Collection method: clinical testing. Allele origin: germline. Affected: yes. Not counted in ClinVar's aggregate classification.

Institute of Human Genetics, Univ. Regensburg, Univ. Regensburg
Classification: Uncertain significance for Retinal dystrophy. Last evaluated: 2023-01-01. Review status: no assertion criteria provided. Criteria: ACMG Guidelines, 2015. Collection method: clinical testing. Allele origin: germline. Affected: yes. Not counted in ClinVar's aggregate classification.

PreventionGenetics, part of Exact Sciences
Classification: Likely benign for USH1G-related condition. Last evaluated: 2022-09-06. Review status: no assertion criteria provided. Collection method: clinical testing. Allele origin: germline. Not counted in ClinVar's aggregate classification.
Comment: This variant is classified as likely benign based on ACMG/AMP sequence variant interpretation guidelines (Richards et al. 2015 PMID: 25741868, with internal and published modifications).

Clinical Genetics DNA and cytogenetics Diagnostics Lab, Erasmus MC, Erasmus Medical Center
Classification: Uncertain significance. Review status: no assertion criteria provided. Collection method: clinical testing. Allele origin: germline. Affected: yes. Study: VKGL Data-share Consensus. Not counted in ClinVar's aggregate classification.

Clinical Genetics, Academic Medical Center
Classification: Uncertain significance. Review status: no assertion criteria provided. Collection method: clinical testing. Allele origin: germline. Affected: yes. Study: VKGL Data-share Consensus. Not counted in ClinVar's aggregate classification.

Department of Pathology and Laboratory Medicine, Sinai Health System
Classification: Uncertain significance. Review status: no assertion criteria provided. Collection method: clinical testing. Allele origin: unknown. Affected: yes. Study: The Canadian Open Genetics Repository (COGR). Not counted in ClinVar's aggregate classification.
Comment: The USH1G p.Asp279Glu variant was not identified in the literature nor was it identified in Cosmic. The variant was identified in dbSNP (ID: rs142486910), LOVD 3.0 (classified as a VUS) and ClinVar (classified as a VUS by Laboratory for Molecular Medicine, ARUP Laboratories and EGL Genetics). EGL Genetics reported that they had identified the USH1G p.D279E variant in 3 individuals with hearing loss; but an alternate explanation of the hearing loss was identified in 1 family. The variant was identified in control databases in 168 of 279208 chromosomes at a frequency of 0.000602 increasing the likelihood this could be a low frequency benign variant (Genome Aggregation Database March 6, 2019, v2.1.1). The variant was observed in the following populations: Ashkenazi Jewish in 60 of 10284 chromosomes (freq: 0.005834), Other in 8 of 7144 chromosomes (freq: 0.00112), European (non-Finnish) in 78 of 127154 chromosomes (freq: 0.000613), Latino in 18 of 35318 chromosomes (freq: 0.00051) and South Asian in 4 of 30564 chromosomes (freq: 0.000131), but was not observed in the African, East Asian or European (Finnish) populations. The variant occurs outside of the splicing consensus sequence and three of four in silico or computational prediction software programs (SpliceSiteFinder, MaxEntScan, NNSPLICE, GeneSplicer) do not predict a greater than 10% difference in splicing. The p.Asp279 residue is conserved in mammals but not in more distantly related organisms however computational analyses (PolyPhen-2, SIFT, AlignGVGD, BLOSUM, MutationTaster) do not suggest a high likelihood of impact to the protein; this information is not predictive enough to rule out pathogenicity. In summary, based on the above information the clinical significance of this variant cannot be determined with certainty at this time. This variant is classified as a variant of uncertain significance.